The following is an entry in ClinVar:

NM_001165963.4(SCN1A):c.5266T>C (p.Cys1756Arg)

Genes: SCN1A (sodium voltage-gated channel alpha subunit 1; minus strand), LOC102724058 (uncharacterized LOC102724058; plus strand). Cytogenetic location: 2q24.3.
Variant type: single nucleotide variant.
Coding change: c.5266T>C on transcript NM_001165963.4 (MANE Select); coding-DNA position 5266, T replaced by C.
Protein change: p.Cys1756Arg; replaces cysteine 1756 with arginine.
Molecular consequence: missense variant. On other transcripts: non-coding transcript variant (1).
Genome position (GRCh38, 1-based): chr2:165,992,009, A>G on the plus strand (T>C on the coding strand, the complement: SCN1A is on the minus strand). VCF-style: chr2-165992009-A-G. GRCh37 (hg19) VCF-style: chr2-166848519-A-G.
Other names: c.5182T>C, p.Cys1728Arg (NM_001165964.3, NM_001353957.2, NM_001353958.2); c.5266T>C, p.Cys1756Arg (NM_001202435.3, NM_001353948.2); c.5233T>C, p.Cys1745Arg (NM_001353949.2, NM_001353950.2, NM_001353951.2 and 2 more transcripts); c.5230T>C, p.Cys1744Arg (NM_001353954.2, NM_001353955.2); c.5179T>C, p.Cys1727Arg (NM_001353960.2); c.2824T>C, p.Cys942Arg (NM_001353961.2); short protein forms C1727R, C1745R, C942R, C1728R, C1744R, C1756R.
Identifiers: ClinVar variation 2753511 (VCV002753511.3), dbSNP rs121918809, ClinGen allele CA349068328.

ClinVar aggregate classification (germline): Pathogenic (1 of 4 stars; one submission).

Conditions:
Early-infantile DEE. Also called: Ohtahara syndrome; Early infantile epileptic encephalopathy; Early infantile epileptic encephalopathy with suppression bursts. Identifiers: Orphanet 1934, MedGen C0393706, MONDO:0800491.

Submission:

Labcorp Genetics (formerly Invitae), Labcorp
Classification: Pathogenic for Early-infantile DEE. Last evaluated: 2024-09-05. Review status: criteria provided, single submitter. Criteria: Invitae Variant Classification Sherloc (09022015). Collection method: clinical testing. Allele origin: germline.
Comment: This sequence change replaces cysteine, which is neutral and slightly polar, with arginine, which is basic and polar, at codon 1756 of the SCN1A protein (p.Cys1756Arg). This variant is not present in population databases (gnomAD no frequency). This missense change has been observed in individual(s) with Dravet syndrome (PMID: 35074891). Invitae Evidence Modeling of protein sequence and biophysical properties (such as structural, functional, and spatial information, amino acid conservation, physicochemical variation, residue mobility, and thermodynamic stability) indicates that this missense variant is expected to disrupt SCN1A protein function with a positive predictive value of 95%. This variant disrupts the p.Cys1756 amino acid residue in SCN1A. Other variant(s) that disrupt this residue have been determined to be pathogenic (internal data). This suggests that this residue is clinically significant, and that variants that disrupt this residue are likely to be disease-causing. For these reasons, this variant has been classified as Pathogenic.

Literature cited by the submitters: PubMed 35074891.